The following is an entry in ClinVar:

NM_000501.4(ELN):c.901C>G (p.Pro301Ala)

Gene: ELN (elastin; plus strand). Cytogenetic location: 7q11.23.
Variant type: single nucleotide variant.
Coding change: c.901C>G on transcript NM_000501.4 (MANE Select); coding-DNA position 901, C replaced by G.
Protein change: p.Pro301Ala; replaces proline 301 with alanine.
Molecular consequence: missense variant.
Genome position (GRCh38, 1-based): chr7:74,051,935, C>G. VCF-style: chr7-74051935-C-G. GRCh37 (hg19) VCF-style: chr7-73466265-C-G.
Other names: c.871C>G, p.Pro291Ala (NM_001081752.3, NM_001278917.2); c.916C>G, p.Pro306Ala (NM_001081753.3, NM_001081754.3); c.901C>G, p.Pro301Ala (NM_001081755.3, NM_001278912.2, NM_001278915.2 and 1 more transcripts); c.793C>G, p.Pro265Ala (NM_001278913.2); c.886C>G, p.Pro296Ala (NM_001278914.2); c.859C>G, p.Pro287Ala (NM_001278916.2); c.769C>G, p.Pro257Ala (NM_001278918.2); short protein forms P257A, P265A, P287A, P291A, P296A, P301A, P306A.
Identifiers: ClinVar variation 985170 (VCV000985170.10), dbSNP rs900409298, ClinGen allele CA4292755.

ClinVar aggregate classification (germline): Conflicting classifications of pathogenicity. Review status: criteria provided, conflicting classifications (1 of 4 stars). 4 submissions from 4 submitters: Uncertain significance (3); Likely benign (1). Last evaluated 2025-11-25.

Conditions:
Supravalvar aortic stenosis (SVAS). Also called: Supravalvar aortic stenosis, Eisenberg type. Identifiers: Orphanet 3193, MedGen C0003499, MONDO:0008504, OMIM 185500, HP:0004381.
Inborn genetic diseases. Identifiers: MedGen C0950123, MeSH D030342.

Allele frequency attached by ClinVar (database versions not stated): gnomAD 0.00001; gnomAD exomes 0.00001 and 0.00003; ExAC 0.00003; TOPMed 0.00004.
gnomAD v4.1: 19 of 1,613,506 alleles (0.0012%); highest among the groups gnomAD compares: Admixed American, 0.017%; no homozygotes.

Submissions (4):

Labcorp Genetics (formerly Invitae), Labcorp
Classification: Uncertain significance for Supravalvar aortic stenosis. Last evaluated: 2025-11-25. Review status: criteria provided, single submitter. Criteria: Invitae Variant Classification Sherloc (09022015). Collection method: clinical testing. Allele origin: germline.
Comment: This sequence change replaces proline, which is neutral and non-polar, with alanine, which is neutral and non-polar, at codon 301 of the ELN protein (p.Pro301Ala). This variant is present in population databases (no rsID available, gnomAD 0.02%). This variant has not been reported in the literature in individuals affected with ELN-related conditions. ClinVar contains an entry for this variant (Variation ID: 985170). Invitae Evidence Modeling of protein sequence and biophysical properties (such as structural, functional, and spatial information, amino acid conservation, physicochemical variation, residue mobility, and thermodynamic stability) indicates that this missense variant is not expected to disrupt ELN protein function with a negative predictive value of 80%. In summary, the available evidence is currently insufficient to determine the role of this variant in disease. Therefore, it has been classified as a Variant of Uncertain Significance.

Blueprint Genetics
Classification: Likely benign. Last evaluated: 2024-11-06. Review status: criteria provided, single submitter. Criteria: ACMG Guidelines, 2015. Collection method: clinical testing. Allele origin: germline.

GeneDx
Classification: Uncertain significance. Last evaluated: 2021-06-29. Review status: criteria provided, single submitter. Criteria: GeneDx Variant Classification Process June 2021. Collection method: clinical testing. Allele origin: germline. Affected: yes.
Comment: Has not been previously published as pathogenic or benign to our knowledge; In silico analysis supports that this missense variant has a deleterious effect on protein structure/function; Reported in ClinVar as a variant of uncertain significance (ClinVar Variant ID# 985170; Landrum et al., 2016); This variant is associated with the following publications: (PMID: 26582918)

Ambry Genetics
Classification: Uncertain significance for Inborn genetic diseases. Last evaluated: 2018-08-22. Review status: criteria provided, single submitter. Criteria: Ambry exome assertion method (8-5-2015). Collection method: clinical testing. Allele origin: germline. Affected: yes. Observed: 1 variant allele.